The following is an entry in ClinVar:

NM_001365276.2(TNXB):c.10397G>T (p.Arg3466Leu)

Gene: TNXB (tenascin XB; minus strand). Cytogenetic location: 6p21.33.
Variant type: single nucleotide variant.
Coding change: c.10397G>T on transcript NM_001365276.2 (MANE Select); coding-DNA position 10397, G replaced by T.
Protein change: p.Arg3466Leu; replaces arginine 3466 with leucine.
Molecular consequence: missense variant.
Genome position (GRCh38, 1-based): chr6:32,046,384, C>A on the plus strand (G>T on the coding strand, the complement: TNXB is on the minus strand). VCF-style: chr6-32046384-C-A. GRCh37 (hg19) VCF-style: chr6-32014161-C-A.
Other names: c.11138G>T, p.Arg3713Leu (NM_001428335.1); c.10391G>T, p.Arg3464Leu (NM_019105.8); short protein forms R3464L, R3466L, R3713L.
Identifiers: ClinVar variation 3227225 (VCV003227225.1), dbSNP rs757765276, ClinGen allele CA363529178.

ClinVar aggregate classification (germline): Uncertain significance (1 of 4 stars; one submission).

Conditions:
Cardiovascular phenotype. Identifiers: MedGen CN230736.

gnomAD v4.1: 7 of 1,592,986 alleles (0.00044%); highest among the groups gnomAD compares: Non-Finnish European, 0.0006%; no homozygotes.

Submission:

Ambry Genetics
Classification: Uncertain significance for Cardiovascular phenotype. Last evaluated: 2023-10-27. Review status: criteria provided, single submitter. Criteria: Ambry Variant Classification Scheme 2023. Collection method: clinical testing. Allele origin: germline.
Comment: The p.R3464L variant (also known as c.10391G>T), located in coding exon 30 of the TNXB gene, results from a G to T substitution at nucleotide position 10391. The arginine at codon 3464 is replaced by leucine, an amino acid with dissimilar properties. This amino acid position is conserved. In addition, this alteration is predicted to be tolerated by in silico analysis. Since supporting evidence is limited at this time, the clinical significance of this alteration remains unclear.